The following is an entry in ClinVar:

NM_000540.3(RYR1):c.2293G>A (p.Gly765Ser)

Gene: RYR1 (ryanodine receptor 1; plus strand). Cytogenetic location: 19q13.2.
Variant type: single nucleotide variant.
Coding change: c.2293G>A on transcript NM_000540.3 (MANE Select); coding-DNA position 2293, G replaced by A.
Protein change: p.Gly765Ser; replaces glycine 765 with serine.
Molecular consequence: missense variant.
Genome position (GRCh38, 1-based): chr19:38,459,271, G>A. VCF-style: chr19-38459271-G-A. GRCh37 (hg19) VCF-style: chr19-38949911-G-A.
Other names: c.2293G>A, p.Gly765Ser (NM_001042723.2); short protein forms G765S.
Identifiers: ClinVar variation 2632777 (VCV002632777.1), dbSNP rs1380227293, ClinGen allele CA405628011.

ClinVar aggregate classification (germline): Uncertain significance (1 of 4 stars; one submission).

Conditions:
RYR1-related disorder. Also called: RYR1-related condition; RYR1-related disorders. Identifiers: MedGen CN239331.

gnomAD v4.1: 17 of 1,614,002 alleles (0.0011%); highest among the groups gnomAD compares: Non-Finnish European, 0.0014%; no homozygotes.

Submission:

PreventionGenetics, part of Exact Sciences
Classification: Uncertain significance for RYR1-related condition. Last evaluated: 2023-05-17. Review status: criteria provided, single submitter. Criteria: ACMG Guidelines, 2015. Collection method: clinical testing. Allele origin: germline.
Comment: The RYR1 c.2293G>A variant is predicted to result in the amino acid substitution p.Gly765Ser. This variant was reported in an individual from an autism spectrum disorder cohort (Table S6, Callaghan et al. 2019. PubMed ID: 31038196). This variant has not been reported in a large population database, indicating this variant is rare. At this time, the clinical significance of this variant is uncertain due to the absence of conclusive functional and genetic evidence.